The following is an entry in ClinVar:

ClinVar aggregate classification (germline): Benign/Likely benign. Review status: criteria provided, multiple submitters, no conflicts (2 of 4 stars). 5 submissions from 5 submitters: Benign (1); Likely benign (3). 1 of the submissions does not count toward it. Last evaluated 2026-01-27.

Conditions:
Kabuki syndrome. Also called: NIIKAWA-KUROKI SYNDROME; Kabuki make-up syndrome. Identifiers: Orphanet 2322, MedGen C0796004, MONDO:0016512.
KMT2D-related disorder. Also called: KMT2D-Related Disorders.
Inborn genetic diseases. Identifiers: MedGen C0950123, MeSH D030342.

Allele frequency attached by ClinVar (database versions not stated): gnomAD 0.00005 and 0.00006; TOPMed 0.00006; ExAC 0.00010.

Submissions (5):

Labcorp Genetics (formerly Invitae), Labcorp
Classification: Benign for Kabuki syndrome. Last evaluated: 2026-01-27. Review status: criteria provided, single submitter. Criteria: Invitae Variant Classification Sherloc (09022015). Collection method: clinical testing. Allele origin: germline.

Ambry Genetics
Classification: Likely benign for Inborn genetic diseases. Last evaluated: 2024-11-15. Review status: criteria provided, single submitter. Criteria: Ambry Variant Classification Scheme 2023. Collection method: clinical testing. Allele origin: germline.

CeGaT Center for Human Genetics Tuebingen
Classification: Likely benign. Last evaluated: 2021-10-01. Review status: criteria provided, single submitter. Criteria: CeGaT Center For Human Genetics Tuebingen Variant Classification Criteria Version 2. Collection method: clinical testing. Allele origin: germline. Affected: yes. Observed: 1 variant allele.

Genetic Services Laboratory, University of Chicago
Classification: Likely benign. Last evaluated: 2020-05-18. Review status: criteria provided, single submitter. Criteria: ACMG Guidelines, 2015. Collection method: clinical testing. Allele origin: germline. Affected: no.

PreventionGenetics, part of Exact Sciences
Classification: Likely benign for KMT2D-related condition. Last evaluated: 2021-11-12. Review status: no assertion criteria provided. Collection method: clinical testing. Allele origin: germline. Not counted in ClinVar's aggregate classification.
Comment: This variant is classified as likely benign based on ACMG/AMP sequence variant interpretation guidelines (Richards et al. 2015 PMID: 25741868, with internal and published modifications).

NM_003482.4(KMT2D):c.5921C>T (p.Thr1974Met)

Gene: KMT2D (lysine methyltransferase 2D; minus strand). Cytogenetic location: 12q13.12.
Variant type: single nucleotide variant.
Coding change: c.5921C>T on transcript NM_003482.4 (MANE Select); coding-DNA position 5921, C replaced by T.
Protein change: p.Thr1974Met; replaces threonine 1974 with methionine.
Molecular consequence: missense variant.
Genome position (GRCh38, 1-based): chr12:49,042,277, G>A on the plus strand (C>T on the coding strand, the complement: KMT2D is on the minus strand). VCF-style: chr12-49042277-G-A. GRCh37 (hg19) VCF-style: chr12-49436060-G-A.
Other names: short protein forms T1974M.
Identifiers: ClinVar variation 1335103 (VCV001335103.45), dbSNP rs777415982, ClinGen allele CA6547393.